The following is an entry in ClinVar:

NM_001184880.2(PCDH19):c.1123G>A (p.Asp375Asn)

Gene: PCDH19 (protocadherin 19; minus strand). Cytogenetic location: Xq22.1.
Variant type: single nucleotide variant.
Coding change: c.1123G>A on transcript NM_001184880.2 (MANE Select); coding-DNA position 1123, G replaced by A.
Protein change: p.Asp375Asn; replaces aspartic acid 375 with asparagine.
Molecular consequence: missense variant.
Genome position (GRCh38, 1-based): chrX:100,407,475, C>T on the plus strand (G>A on the coding strand, the complement: PCDH19 is on the minus strand). VCF-style: chrX-100407475-C-T. GRCh37 (hg19) VCF-style: chrX-99662473-C-T.
Other names: c.1123G>A, p.Asp375Asn (NM_001105243.2, NM_020766.3); c.1123G>A (NM_001184880.1); short protein forms D375N.
Identifiers: ClinVar variation 806012 (VCV000806012.12), dbSNP rs1928407580, ClinGen allele CA414004114.

ClinVar aggregate classification (germline): Conflicting classifications of pathogenicity. Review status: criteria provided, conflicting classifications (1 of 4 stars). 3 submissions from 3 submitters: Likely pathogenic (1); Uncertain significance (1). 1 of the submissions does not count toward it. Last evaluated 2023-02-03.

Conditions:
Developmental and epileptic encephalopathy, 9 (DEE9). Also called: PCDH19-Related X-Linked Female-Limited Epilepsy with Mental Retardation; Early infantile epileptic encephalopathy 9; JUBERG-HELLMAN SYNDROME; EPILEPSY, FEMALE-RESTRICTED, WITH MENTAL RETARDATION. Identifiers: Orphanet 101039, Orphanet 2076, MedGen C1848137, MONDO:0010246, OMIM 300088. Disease mechanism: loss of function.
Glycine encephalopathy. Also called: Non-ketotic hyperglycinemia; Nonketotic hyperglycinemia. Identifiers: Orphanet 407, MedGen C0751748, MONDO:0011612, HP:0008288.

Submissions (3):

GeneDx
Classification: Likely pathogenic. Last evaluated: 2023-02-03. Review status: criteria provided, single submitter. Criteria: GeneDx Variant Classification Process June 2021. Collection method: clinical testing. Allele origin: germline. Affected: yes.
Comment: Published functional studies suggest this variant results in impairment of protein expression, however additional studies are needed to validate the functional effect of this variant in vivo (Pham et al., 2021); Not observed at significant frequency in large population cohorts (gnomAD); Missense variants in this gene are often considered pathogenic (HGMD); In silico analysis supports that this missense variant has a deleterious effect on protein structure/function; This variant is associated with the following publications: (PMID: 34082468)

Labcorp Genetics (formerly Invitae), Labcorp
Classification: Uncertain significance for Developmental and epileptic encephalopathy, 9. Last evaluated: 2021-08-31. Review status: criteria provided, single submitter. Criteria: Invitae Variant Classification Sherloc (09022015). Collection method: clinical testing. Allele origin: germline.

Neurogenetics Research Program, University of Adelaide
Classification: Likely pathogenic for Developmental and epileptic encephalopathy, 9; Glycine encephalopathy 1. Last evaluated: 2019-12-20. Review status: no assertion criteria provided. Collection method: research. Allele origin: maternal. Affected: yes. Not counted in ClinVar's aggregate classification.